The following is an entry in ClinVar:

ClinVar aggregate classification (germline): Benign/Likely benign. Review status: criteria provided, multiple submitters, no conflicts (2 of 4 stars). 4 submissions from 4 submitters: Benign (1); Likely benign (3). Last evaluated 2025-11-13.

Conditions:
AXIN2-related disorder.
Hereditary cancer-predisposing syndrome. Also called: Hereditary neoplastic syndrome; Neoplastic Syndromes, Hereditary; Hereditary Cancer Syndrome; Tumor predisposition. Identifiers: Orphanet 140162, MedGen C0027672, MeSH D009386, MONDO:0015356.
Oligodontia-cancer predisposition syndrome. Also called: TOOTH AGENESIS-COLORECTAL CANCER SYNDROME. Identifiers: Orphanet 300576, MedGen C1837750, MONDO:0012075, OMIM 608615. Disease mechanism: loss of function.

Allele frequency attached by ClinVar (database versions not stated): ExAC 0.00001; gnomAD exomes 0.00001.
gnomAD v4.1: 5 of 1,605,916 alleles (0.00031%); highest among the groups gnomAD compares: Admixed American, 0.0017%; no homozygotes.

Submissions (4):

PreventionGenetics, part of Exact Sciences
Classification: Likely benign for AXIN2-related condition. Last evaluated: 2025-11-13. Review status: criteria provided, single submitter. Criteria: ACMG Guidelines, 2015. Collection method: clinical testing. Allele origin: germline.
Comment: This variant is classified as likely benign based on ACMG/AMP sequence variant interpretation guidelines (Richards et al. 2015 PMID: 25741868, with internal and published modifications).

Ambry Genetics
Classification: Likely benign for Hereditary cancer-predisposing syndrome. Last evaluated: 2025-01-14. Review status: criteria provided, single submitter. Criteria: Ambry Variant Classification Scheme 2023. Collection method: clinical testing. Allele origin: germline.

Myriad Genetics, Inc.
Classification: Benign for Oligodontia-cancer predisposition syndrome. Last evaluated: 2024-07-03. Review status: criteria provided, single submitter. Criteria: Myriad Autosomal Dominant, Autosomal Recessive and X-Linked Classification Criteria (2023). Collection method: clinical testing. Allele origin: unknown.
Comment: This variant is considered benign. This variant is a silent/synonymous amino acid change and it is not expected to impact splicing.

Labcorp Genetics (formerly Invitae), Labcorp
Classification: Likely benign for Oligodontia-cancer predisposition syndrome. Last evaluated: 2022-01-07. Review status: criteria provided, single submitter. Criteria: Invitae Variant Classification Sherloc (09022015). Collection method: clinical testing. Allele origin: germline.

NM_004655.4(AXIN2):c.1446G>A (p.Pro482=)

Gene: AXIN2 (axin 2; minus strand). Cytogenetic location: 17q24.1.
Variant type: single nucleotide variant.
Coding change: c.1446G>A on transcript NM_004655.4 (MANE Select); coding-DNA position 1446, G replaced by A.
Protein change: p.Pro482=; no amino-acid change (proline 482 retained).
Molecular consequence: synonymous variant.
Genome position (GRCh38, 1-based): chr17:65,537,590, C>T on the plus strand (G>A on the coding strand, the complement: AXIN2 is on the minus strand). VCF-style: chr17-65537590-C-T. GRCh37 (hg19) VCF-style: chr17-63533708-C-T.
Other names: c.1446G>A, p.Pro482= (NM_001363813.1).
Identifiers: ClinVar variation 754099 (VCV000754099.13), dbSNP rs750678891, ClinGen allele CA8718645.